The following is an entry in ClinVar:

NM_006767.4(LZTR1):c.2325+2T>G

Gene: LZTR1 (leucine zipper like post translational regulator 1; plus strand). Cytogenetic location: 22q11.21.
Variant type: single nucleotide variant.
Coding change: c.2325+2T>G on transcript NM_006767.4 (MANE Select); the canonical splice donor site of the intron after coding-DNA position 2325, T replaced by G.
Molecular consequence: splice donor variant.
Genome position (GRCh38, 1-based): chr22:20,996,803, T>G. VCF-style: chr22-20996803-T-G. GRCh37 (hg19) VCF-style: chr22-21351092-T-G.
Identifiers: ClinVar variation 1959837 (VCV001959837.5), dbSNP rs1252629169, ClinGen allele CA410780955.

ClinVar aggregate classification (germline): Pathogenic (1 of 4 stars; one submission).

Submission:

Labcorp Genetics (formerly Invitae), Labcorp
Classification: Pathogenic. Last evaluated: 2022-05-18. Review status: criteria provided, single submitter. Criteria: Invitae Variant Classification Sherloc (09022015). Collection method: clinical testing. Allele origin: germline.
Comment: This sequence change affects a donor splice site in intron 19 of the LZTR1 gene. It is expected to disrupt RNA splicing. Variants that disrupt the donor or acceptor splice site typically lead to a loss of protein function (PMID: 16199547), and loss-of-function variants in LZTR1 are known to be pathogenic (PMID: 24362817, 25335493, 25480913, 25795793, 29469822, 30442762, 30442766, 30481304, 30859559). This variant is present in population databases (no rsID available, gnomAD 0.003%). Disruption of this splice site has been observed in individual(s) with Noonan syndrome (PMID: 29469822). In at least one individual the data is consistent with being in trans (on the opposite chromosome) from a pathogenic variant. Algorithms developed to predict the effect of sequence changes on RNA splicing suggest that this variant may disrupt the consensus splice site. For these reasons, this variant has been classified as Pathogenic.

Literature cited by the submitters: PubMed 16199547; PubMed 24362817; PubMed 25335493; PubMed 25480913; PubMed 25795793; PubMed 29469822; PubMed 30442762; PubMed 30442766; PubMed 30481304; PubMed 30859559.